The following is an entry in ClinVar:

ClinVar aggregate classification (germline): Likely pathogenic. Review status: criteria provided, single submitter (1 of 4 stars). 2 submissions from 2 submitters: Likely pathogenic (1). 1 of the submissions does not count toward it. Last evaluated 2022-10-17.

Conditions:
Developmental delay, impaired growth, dysmorphic facies, and axonal neuropathy. Identifiers: MedGen C5436781, MONDO:0030835, OMIM 619090.
Charcot-Marie-Tooth disease axonal type 2Z. Also called: CHARCOT-MARIE-TOOTH DISEASE, AXONAL, AUTOSOMAL DOMINANT, TYPE 2Z; CHARCOT-MARIE-TOOTH NEUROPATHY, TYPE 2Z. Identifiers: Orphanet 466768, MedGen C5569025, MONDO:0014736, OMIM 616688.

Submissions (2):

Labcorp Genetics (formerly Invitae), Labcorp
Classification: Likely pathogenic for Charcot-Marie-Tooth disease axonal type 2Z. Last evaluated: 2022-10-17. Review status: criteria provided, single submitter. Criteria: Invitae Variant Classification Sherloc (09022015). Collection method: clinical testing. Allele origin: germline.
Comment: ClinVar contains an entry for this variant (Variation ID: 992666). This variant is also known as c.1106C>T (p.Ala369Val). This missense change has been observed in individual(s) with clinical features of Charcot-Marie-Tooth disease (PMID: 28771897; Invitae). In at least one individual the variant was observed to be de novo. This variant is not present in population databases (gnomAD no frequency). This sequence change replaces alanine, which is neutral and non-polar, with valine, which is neutral and non-polar, at codon 431 of the MORC2 protein (p.Ala431Val). In summary, the currently available evidence indicates that the variant is pathogenic, but additional data are needed to prove that conclusively. Therefore, this variant has been classified as Likely Pathogenic. Advanced modeling of protein sequence and biophysical properties (such as structural, functional, and spatial information, amino acid conservation, physicochemical variation, residue mobility, and thermodynamic stability) has been performed at Invitae for this missense variant, however the output from this modeling did not meet the statistical confidence thresholds required to predict the impact of this variant on MORC2 protein function.

OMIM
Classification: Pathogenic for DEVELOPMENTAL DELAY, IMPAIRED GROWTH, DYSMORPHIC FACIES, AND AXONAL NEUROPATHY. Last evaluated: 2021-01-11. Review status: no assertion criteria provided. Collection method: literature only. Allele origin: germline. Not counted in ClinVar's aggregate classification.

Literature cited by the submitters: PubMed 28771897 (cited by Labcorp Genetics (formerly Invitae), Labcorp and OMIM).

NM_001303256.3(MORC2):c.1292C>T (p.Ala431Val)

Gene: MORC2 (MORC family CW-type zinc finger 2; minus strand). Cytogenetic location: 22q12.2.
Variant type: single nucleotide variant.
Coding change: c.1292C>T on transcript NM_001303256.3 (MANE Select); coding-DNA position 1292, C replaced by T.
Protein change: p.Ala431Val; replaces alanine 431 with valine.
Molecular consequence: missense variant.
Genome position (GRCh38, 1-based): chr22:30,937,892, G>A on the plus strand (C>T on the coding strand, the complement: MORC2 is on the minus strand). VCF-style: chr22-30937892-G-A. GRCh37 (hg19) VCF-style: chr22-31333879-G-A.
Other names: c.1292C>T, p.Ala431Val (NM_001303257.2); c.1106C>T, p.Ala369Val (NM_014941.3); short protein forms A369V, A431V.
Identifiers: ClinVar variation 992666 (VCV000992666.9), dbSNP rs2040679845, ClinGen allele CA411238829.
Genomic context (GRCh38, chr22:30,937,892, plus strand): 5'-CAATACTGCGCCAGGTGCTCCCCCATTGCTCGGAGCAGGTGCCGGTACTCCTTGGCATCA[G>A]CAAAGTCCTGTTTGTTGTGTGTAGGCTCCAGGACCAGGTAGGGCACATCAACAACCCCAA-3'
Protein context (NP_001290185.1, residues 421-441): LEPTHNKQDF[Ala431Val]DAKEYRHLLR